The following is an entry in ClinVar:

ClinVar aggregate classification (germline): Pathogenic. Review status: criteria provided, multiple submitters, no conflicts (2 of 4 stars). 12 submissions from 12 submitters: Pathogenic (11). 1 of the submissions does not count toward it. Last evaluated 2026-05-29.

Conditions:
CTC1-related disorder. Also called: CTC1-related condition.
Coats plus syndrome. Also called: Cerebroretinal microangiopathy with calcifications and cysts. Identifiers: Orphanet 313838, MedGen C2677299, MONDO:0012815.
Dyskeratosis congenita. Identifiers: Orphanet 1775, MedGen C0265965, MONDO:0015780.
Cerebroretinal microangiopathy with calcifications and cysts 1 (CRMCC1). Identifiers: Orphanet 313838, MedGen C4552029, MONDO:0024564, OMIM 612199.

Submissions (12):

PreventionGenetics, part of Exact Sciences
Classification: Pathogenic for CTC1-related condition. Last evaluated: 2026-05-29. Review status: criteria provided, single submitter. Criteria: ACMG Guidelines, 2015. Collection method: clinical testing. Allele origin: germline.
Comment: The CTC1 c.2954_2956delGTT variant is predicted to result in an in-frame deletion (p.Cys985del). This variant has been reported in the homozygous or compound heterozygous states in multiple individuals with dyskeratosis congenita, Coats plus syndrome, aplastic anemia, and bone marrow failure (Anderson et al. 2012. PubMed ID: 22267198; Guidugli et al. 2017. PubMed ID: 28104920; Table S3, Gutierrez-Rodrigues et al. 2018. PubMed ID: 30523342; Table S2, Maillet et al. 2024. PubMed ID: 39279213; Shen et al. 2019. PubMed ID: 30891747; Walne et al. 2012. PubMed ID: 22899577). In vitro experimental studies using HeLa cells suggest this variant abolishes RAD51 binding and elevates chromosome fragmentation and shattering under replication stress (Wang et al. 2018. PubMed ID: 29481669). This variant is reported in 0.0065% of alleles in individuals of African descent in gnomAD. This variant is interpreted as pathogenic.

Labcorp Genetics (formerly Invitae), Labcorp
Classification: Pathogenic for Dyskeratosis congenita. Last evaluated: 2026-01-25. Review status: criteria provided, single submitter. Criteria: Invitae Variant Classification Sherloc (09022015). Collection method: clinical testing. Allele origin: germline.
Comment: This variant, c.2954_2956del, results in the deletion of 1 amino acid(s) of the CTC1 protein (p.Cys985del), but otherwise preserves the integrity of the reading frame. This variant is present in population databases (rs199473679, gnomAD 0.009%). This variant has been observed in individuals with Coats plus, dyskeratosis congenita, and cerebroretinal microangiopathy with calcifications and cysts (PMID: 22267198, 22387016, 22532422, 22899577). ClinVar contains an entry for this variant (Variation ID: 40250). Algorithms developed to predict the effect of variants on gene product structure and function are not available or were not evaluated for this variant. Experimental studies have shown that this variant affects CTC1 function (PMID: 22267198, 22532422, 23869908, 24115768). For these reasons, this variant has been classified as Pathogenic.

ARUP Laboratories, Molecular Genetics and Genomics, ARUP Laboratories
Classification: Pathogenic for Cerebroretinal microangiopathy with calcifications and cysts 1. Last evaluated: 2025-02-06. Review status: criteria provided, single submitter. Criteria: ARUP Molecular Germline Variant Investigation Process 2024. Collection method: clinical testing. Allele origin: germline.
Comment: The CTC1 c.2954_2956del; p.Cys985del variant (rs199473679) is reported in the literature in individuals affected with bone marrow failure syndromes as a homozygous variant or as a heterozygous variant in individuals who also carry a pathogenic variant in trans (Guidugli 2017, Keller 2012, Polvi 2012, Shen 2019, Walne 2013). This variant is also reported in ClinVar (Variation ID: 40250). This variant is found in the general population with an overall allele frequency of 0.002% (5/249,534 alleles) in the Genome Aggregation Database (v2.1.1). Functional analyses of the variant protein show reduced telomere length (Anderson 2012, Gu 2013, Keller 2012). This variant deletes a single cysteine residue leaving the rest of the protein in-frame. Based on available information, this variant is considered to be pathogenic. References: Anderson BH et al. Mutations in CTC1, encoding conserved telomere maintenance component 1, cause Coats plus. Nature genetics. 2012 Mar. PMID: 22267198 Gu P et al. Functional characterization of human CTC1 mutations reveals novel mechanisms responsible for the pathogenesis of the telomere disease Coats plus. Aging Cell. 2013 Dec. PMID: 23869908 Guidugli L et al. Clinical utility of gene panel-based testing for hereditary myelodysplastic syndrome/acute leukemia predisposition syndromes. Leukemia. 2017 Feb 07. PMID: 28104920 Keller RB et al. CTC1 Mutations in a patient with dyskeratosis congenita. Pediatric blood & cancer. 2012 Aug. PMID: 22532422 Polvi A et al. Mutations in CTC1, encoding the CTS telomere maintenance complex component 1, cause cerebroretinal microangiopathy with calcifications and cysts. Am J Hum Genet. 2012 Mar 9. PMID: 22387016 Shen W et al. Impact of germline CTC1 alterations on telomere length in acquired bone marrow failure. Br J Haematol. 2019 Jun. PMID: 30891747 Walne AJ et al. Mutations in the telomere capping complex in bone marrow failure and related syndromes. Haematologica. 2013 Mar. PMID: 22899577

Women's Health and Genetics/Laboratory Corporation of America, LabCorp
Classification: Pathogenic for Cerebroretinal microangiopathy with calcifications and cysts 1. Last evaluated: 2024-12-24. Review status: criteria provided, single submitter. Criteria: LabCorp Variant Classification Summary - May 2015. Collection method: clinical testing. Allele origin: germline.
Comment: Variant summary: CTC1 c.2954_2956delGTT (p.Cys985del) results in an in-frame deletion that is predicted to remove one amino acid from the encoded protein. The variant allele was found at a frequency of 2e-05 in 249534 control chromosomes. c.2954_2956delGTT has been reported in the literature in the homozygous and compound heterozygous state in individuals affected with bone marrow failure, myelodysplastic syndrome, and dyskeratosis congenita (Bluetau_2018, Guiduglii_2017, Walne_2013, Keller_pediatr). These data indicate that the variant is likely to be associated with disease. Experimental studies report that this variant impacts telomere stability (Gu_2013, Chen_2013). The following publications have been ascertained in the context of this evaluation (PMID: 29146883, 24115768, 23869908, 28104920, 22532422, 22899577). ClinVar contains an entry for this variant (Variation ID: 40250). Based on the evidence outlined above, the variant was classified as pathogenic.

St. Jude Molecular Pathology, St. Jude Children's Research Hospital
Classification: Pathogenic for Dyskeratosis congenita. Last evaluated: 2024-10-10. Review status: criteria provided, single submitter. Criteria: St. Jude Assertion Criteria 2020. Collection method: clinical testing. Allele origin: germline.
Comment: The CTC1 c.2954_2956del (p.Cys985del) change deletes three nucleotides resulting in an in-frame deletion of one amino acid at codon 985 in exon 18. This change has a maximum subpopulation frequency of 0.0065% in gnomAD v2.1.1. This variant was shown to impair telomere maintenance, leading to significantly shortened telomeres and increased yH2AX-positive cells, indicating elevated DNA damage and genomic instability. Cellular assays demonstrated defects in fibroblast proliferation, increased senescence, and a higher frequency of chromosome fusions. This variant also disrupted the formation of the CST complex, reducing its ability to bind single-stranded telomeric DNA and localize to telomeres. (PMID: 22267198, 22532422, 23869908). This variant has been reported in the homozygous or compound heterozygous state in multiple unrelated individuals affected with dyskeratosis congenita Coats plus syndrome. (PMID: 22267198, 30891747, 32543263, 35580952, 37974921). In summary, this variant meets criteria to be classified as pathogenic.

3billion
Classification: Pathogenic for Cerebroretinal microangiopathy with calcifications and cysts 1. Last evaluated: 2024-06-12. Review status: criteria provided, single submitter. Criteria: ACMG Guidelines, 2015. Collection method: clinical testing. Allele origin: germline. Affected: yes.
Comment: The variant is observed at an extremely low frequency in the gnomAD v4.0.0 dataset (total allele frequency: 0.002%). Predicted Consequence/Location: Inframe deletion located in a nonrepeat region: predicted to change the length of the protein and disrupt normal protein function. Functional studies provide strong evidence of the variant having a damaging effect on the gene or gene product (PMID: 23869908). The variant has been reported to be in trans with a pathogenic variant as either compound heterozygous or homozygous in at least one similarly affected unrelated individual (PMID: 22532422, 22899577). The variant has been reported at least twice as pathogenic without evidence for the classification (ClinVar ID: VCV000040250 /PMID: 22267198). Therefore, this variant is classified as Pathogenic according to the recommendation of ACMG/AMP guideline.

Mayo Clinic Laboratories, Mayo Clinic
Classification: Pathogenic. Last evaluated: 2024-02-29. Review status: criteria provided, single submitter. Criteria: ACMG Guidelines, 2015. Collection method: clinical testing. Allele origin: germline. Observed: 3 variant alleles.
Comment: PM2, PM3_strong, PM4, PS3, PS4_moderate

GeneDx
Classification: Pathogenic. Last evaluated: 2021-12-18. Review status: criteria provided, single submitter. Criteria: GeneDx Variant Classification Process June 2021. Collection method: clinical testing. Allele origin: germline. Affected: yes.
Comment: Published functional studies demonstrate p.C985del damages normal protein function and affects genome instability (Wang et al., 2018); Not observed at a significant frequency in large population cohorts (Lek et al., 2016); In-frame deletion of 1amino acid in a non-repeat region; This variant is associated with the following publications: (PMID: 25197929, 22899577, 33010065, 24115768, 32499435, 23869908, 22387016, 22532422, 29146883, 30891747, 30523342, 33034244, 32543263, 28104920, 29481669, 22267198)

Blueprint Genetics
Classification: Pathogenic for CTC1-related disorders. Last evaluated: 2021-08-05. Review status: criteria provided, single submitter. Criteria: ACMG Guidelines, 2015. Collection method: clinical testing. Allele origin: germline. Affected: yes. Observed: 5 variant alleles.

Genetic Services Laboratory, University of Chicago
Classification: Pathogenic for Cerebroretinal microangiopathy with calcifications and cysts. Last evaluated: 2018-07-30. Review status: criteria provided, single submitter. Criteria: ACMG Guidelines, 2015. Collection method: clinical testing. Allele origin: germline. Affected: yes.

Juno Genomics, Hangzhou Juno Genomics, Inc
Classification: Pathogenic for Cerebroretinal microangiopathy with calcifications and cysts 1. Review status: criteria provided, single submitter. Criteria: ACMG Guidelines, 2015. Collection method: clinical testing. Allele origin: germline.
Comment: Absent from controls (or at extremely low frequency if recessive) in Genome Aggregation Database.;Protein length changes due to in-frame deletions/insertions in a non-repeat region or stop-loss variants.;For recessive disorders, detected in trans with a pathogenic variant.

OMIM
Classification: Pathogenic for CEREBRORETINAL MICROANGIOPATHY WITH CALCIFICATIONS AND CYSTS 1. Last evaluated: 2012-08-01. Review status: no assertion criteria provided. Collection method: literature only. Allele origin: germline. Not counted in ClinVar's aggregate classification.

Literature cited by the submitters: PubMed 22267198 (cited by 4 submitters); PubMed 22387016 (cited by Labcorp Genetics (formerly Invitae), Labcorp); PubMed 22532422 (cited by 5 submitters); PubMed 22899577 (cited by 3 submitters); PubMed 23869908 (cited by 4 submitters); PubMed 24115768 (cited by 3 submitters); PubMed 28104920 (cited by Women's Health and Genetics/Laboratory Corporation of America, LabCorp); PubMed 29146883 (cited by Women's Health and Genetics/Laboratory Corporation of America, LabCorp); PubMed 33010065 (cited by Mayo Clinic Laboratories, Mayo Clinic); Crow, Y. J., McMenamin, J., Haenggeli, C. A., Hadley, D. M., Tirupathi, S., Treacy, E. P., Zuberi, S. M., Browne, B. H., Tolmie, J. L., Stephenson, J. B. P. Coats' plus: a progressive familial syndrome of bilateral Coats' disease, characteristic cerebral calcification, leukoencephalopathy, slow pre- and post-natal linear growth and defects of bone marrow and integument. Neuropediatrics 35: 10-19, 2004. (cited by OMIM).

NM_025099.6(CTC1):c.2951GTT[1] (p.Cys985del)

Gene: CTC1 (CST telomere replication complex component 1; minus strand). Cytogenetic location: 17p13.1.
Variant type: Microsatellite.
Coding change: c.2951GTT[1] on transcript NM_025099.6 (MANE Select); one copy of the 3-base unit GTT starting at c.2951; the reference has two copies in a row; one copy, 3 bases deleted; also written c.2954_2956del.
Protein change: p.Cys985del; deletes cysteine 985.
Molecular consequence: inframe deletion. On other transcripts: non-coding transcript variant (1).
Genome position (GRCh38, 1-based): chr17:8,229,946-8,229,948, AAC deleted on the plus strand (GTT on the coding strand, the reverse complement: CTC1 is on the minus strand); deleting any 3 consecutive bases within chr17:8,229,946-8,229,953 gives the same sequence; the position shown is the placement nearest the transcript's 3' end. VCF-style (leftmost placement, unchanged base first): chr17-8229945-AAAC-A. GRCh37 (hg19) VCF-style: chr17-8133263-AAAC-A.
Other names: p.Cys985del; c.2954_2956del (NM_025099.6); c.2954_2956delGTT (NM_025099.6); short protein forms C985del.
Identifiers: ClinVar variation 40250 (VCV000040250.26), dbSNP rs199473679, ClinGen allele CA130802.